The following is an entry in ClinVar:

ClinVar aggregate classification (germline): Benign/Likely benign. Review status: criteria provided, multiple submitters, no conflicts (2 of 4 stars). 7 submissions from 7 submitters: Benign (4); Likely benign (1). 2 of the submissions do not count toward it. Last evaluated 2026-08-01.

Conditions:
DCHS1-related disorder. Also called: DCHS1-related condition.

Allele frequency attached by ClinVar (database versions not stated): TOPMed 0.00288; 1000 Genomes Project 30x 0.00344; 1000 Genomes Project 0.00359; ESP Exome Variant Server 0.00470; gnomAD exomes 0.00534 and 0.00649; ExAC 0.00591; gnomAD 0.00612 and 0.00630.
gnomAD v4.1: 8,661 of 1,613,354 alleles (0.54%); highest among the groups gnomAD compares: Non-Finnish European, 0.47%; 63 homozygotes.

Submissions (7):

CeGaT Center for Human Genetics Tuebingen
Classification: Likely benign. Last evaluated: 2026-08-01. Review status: criteria provided, single submitter. Criteria: CeGaT Center For Human Genetics Tuebingen Variant Classification Criteria Version 2. Collection method: clinical testing. Allele origin: germline. Affected: yes. Observed: 31 variant alleles.
Comment: DCHS1: BP4, BP7, BS2

Labcorp Genetics (formerly Invitae), Labcorp
Classification: Benign. Last evaluated: 2026-02-02. Review status: criteria provided, single submitter. Criteria: Invitae Variant Classification Sherloc (09022015). Collection method: clinical testing. Allele origin: germline.

PreventionGenetics, part of Exact Sciences
Classification: Benign for DCHS1-related condition. Last evaluated: 2025-07-31. Review status: criteria provided, single submitter. Criteria: ACMG Guidelines, 2015. Collection method: clinical testing. Allele origin: germline.
Comment: This variant is classified as benign based on ACMG/AMP sequence variant interpretation guidelines (Richards et al. 2015 PMID: 25741868, with internal and published modifications).

GeneDx
Classification: Benign. Last evaluated: 2019-11-06. Review status: criteria provided, single submitter. Criteria: GeneDx Variant Classification Process June 2021. Collection method: clinical testing. Allele origin: germline. Affected: yes.

Breakthrough Genomics
Classification: Benign. Review status: criteria provided, single submitter. Criteria: ACMG Guidelines, 2015. Collection method: not provided. Allele origin: germline. Inheritance: Autosomal recessive inheritance. Affected: yes.

Clinical Genetics DNA and cytogenetics Diagnostics Lab, Erasmus MC, Erasmus Medical Center
Classification: Likely benign. Review status: no assertion criteria provided. Collection method: clinical testing. Allele origin: germline. Affected: yes. Study: VKGL Data-share Consensus. Not counted in ClinVar's aggregate classification.

Clinical Genetics, Academic Medical Center
Classification: Benign. Review status: no assertion criteria provided. Collection method: clinical testing. Allele origin: germline. Affected: yes. Study: VKGL Data-share Consensus. Not counted in ClinVar's aggregate classification.

NM_003737.4(DCHS1):c.6792G>A (p.Thr2264=)

Gene: DCHS1 (dachsous cadherin-related 1; minus strand). Cytogenetic location: 11p15.4.
Variant type: single nucleotide variant.
Coding change: c.6792G>A on transcript NM_003737.4 (MANE Select); coding-DNA position 6792, G replaced by A.
Protein change: p.Thr2264=; no amino-acid change (threonine 2264 retained).
Molecular consequence: synonymous variant.
Genome position (GRCh38, 1-based): chr11:6,625,667, C>T on the plus strand (G>A on the coding strand, the complement: DCHS1 is on the minus strand). VCF-style: chr11-6625667-C-T. GRCh37 (hg19) VCF-style: chr11-6646898-C-T.
Identifiers: ClinVar variation 773524 (VCV000773524.38), dbSNP rs116909245, ClinGen allele CA5859771.
Genomic context (GRCh38, chr11:6,625,667, plus strand): 5'-TCGGAGCTCCCAGGGTTGGGGGATGGTGGGGCGATTGTCATTGGTGTCGATGACCATCAC[C>T]GTCAAGGTAGCTGAGCCCACCAGGGCTGGGCTCCCTCTGTCTGTGGCCATCAGCACCAAC-3'
Protein context (NP_003728.1, residues 2254-2274): SPALVGSATL[Thr2264=]VMVIDTNDNR